The following is an entry in ClinVar:

ClinVar aggregate classification (germline): Uncertain significance. Review status: criteria provided, multiple submitters, no conflicts (2 of 4 stars). 2 submissions from 2 submitters: Uncertain significance (2). Last evaluated 2026-08-03.

Conditions:
PKD1L1-related disorder. Also called: PKD1L1-related condition.

Allele frequency attached by ClinVar (database versions not stated): gnomAD 0.00005; TOPMed 0.00006; ESP Exome Variant Server 0.00008; ExAC 0.00010; gnomAD exomes 0.00010.
gnomAD v4.1: 145 of 1,577,636 alleles (0.0092%); highest among the groups gnomAD compares: Non-Finnish European, 0.012%; no homozygotes.

Submissions (2):

PreventionGenetics, part of Exact Sciences
Classification: Uncertain significance for PKD1L1-related condition. Last evaluated: 2026-08-03. Review status: criteria provided, single submitter. Criteria: ACMG Guidelines, 2015. Collection method: clinical testing. Allele origin: germline.
Comment: The PKD1L1 c.6961A>T variant is predicted to result in the amino acid substitution p.Thr2321Ser. To our knowledge, this variant has not been reported in the literature. This variant is reported in 0.012% of alleles in individuals of European (Non-Finnish) descent in gnomAD. At this time, the clinical significance of this variant is uncertain due to the absence of conclusive functional and genetic evidence.

CeGaT Center for Human Genetics Tuebingen
Classification: Uncertain significance. Last evaluated: 2026-02-01. Review status: criteria provided, single submitter. Criteria: CeGaT Center For Human Genetics Tuebingen Variant Classification Criteria Version 2. Collection method: clinical testing. Allele origin: germline. Affected: yes. Observed: 1 variant allele.
Comment: PKD1L1: PM2, BP4

NM_138295.5(PKD1L1):c.6961A>T (p.Thr2321Ser)

Gene: PKD1L1 (polycystin 1 like 1, transient receptor potential channel interacting; minus strand). Cytogenetic location: 7p12.3.
Variant type: single nucleotide variant.
Coding change: c.6961A>T on transcript NM_138295.5 (MANE Select); coding-DNA position 6961, A replaced by T.
Protein change: p.Thr2321Ser; replaces threonine 2321 with serine.
Molecular consequence: missense variant.
Genome position (GRCh38, 1-based): chr7:47,821,080, T>A on the plus strand (A>T on the coding strand, the complement: PKD1L1 is on the minus strand). VCF-style: chr7-47821080-T-A. GRCh37 (hg19) VCF-style: chr7-47860678-T-A.
Other names: short protein forms T2321S.
Identifiers: ClinVar variation 2634551 (VCV002634551.6), dbSNP rs368517085, ClinGen allele CA4252267.
Genomic context (GRCh38, chr7:47,821,080, plus strand): 5'-AGGCTATGGAATAGTGCAATGGCCCCAGATCTGGAAGAGTTACCCAAACCTCCTACCTTG[T>A]AAATTCTTTCCGGATAGCTTGATTGAGGGAGTATTCATCTTGGGAAAATCTCCCATATAT-3'
Protein context (NP_612152.1, residues 2311-2331): SLNQAIRKEF[Thr2321Ser]RNARNCLGGL